The following is an entry in ClinVar:

ClinVar aggregate classification (germline): Pathogenic (1 of 4 stars; one submission).

Conditions:
Inborn genetic diseases. Identifiers: MedGen C0950123, MeSH D030342.

Submission:

Ambry Genetics
Classification: Pathogenic for Inborn genetic diseases. Last evaluated: 2023-07-24. Review status: criteria provided, single submitter. Criteria: Ambry Variant Classification Scheme 2023. Collection method: clinical testing. Allele origin: germline.
Comment: The c.4560+2_4560+5delTAAG intronic alteration results from a deletion of four nucleotides located two nucleotides after exon 21 (coding exon 20) of the NIPBL gene. Alterations that disrupt the canonical splice site are expected to cause aberrant splicing, resulting in an abnormal protein or a transcript that is subject to nonsense-mediated mRNA decay. This variant was not reported in population-based cohorts in the Genome Aggregation Database (gnomAD). This variant has been determined to be the result of a de novo mutation in a fetus with hydrops fetalis, intrauterine growth restriction, and ventricular septal defect (Gabriel, 2022). These nucleotide positions are well conserved in available vertebrate species. In silico splice site analysis predicts that this alteration will weaken the native splice donor site. Based on the available evidence, this alteration is classified as pathogenic.

Literature cited by the submitters: PubMed 34958143.

NM_133433.4(NIPBL):c.4560+2_4560+5del

Gene: NIPBL (NIPBL cohesin loading factor; plus strand). Cytogenetic location: 5p13.2.
Variant type: Deletion.
Coding change: c.4560+2_4560+5del on transcript NM_133433.4 (MANE Select); the canonical splice donor site of the intron after coding-DNA position 4560 through 5 bases into the intron after coding-DNA position 4560, 4 bases deleted (TAAG; older notation c.4560+2_4560+5delTAAG).
Molecular consequence: splice donor variant.
Genome position (GRCh38, 1-based): chr5:37,010,227-37,010,230, TAAG deleted; deleting any 4 consecutive bases within chr5:37,010,224-37,010,230 gives the same sequence; the c. name uses the placement nearest the transcript's 3' end. VCF-style (leftmost placement, unchanged base first): chr5-37010223-AAAGT-A. GRCh37 (hg19) VCF-style: chr5-37010325-AAAGT-A.
Other names: c.4560+2_4560+5del (NM_015384.5).
Identifiers: ClinVar variation 2610130 (VCV002610130.2), dbSNP rs2478191783, ClinGen allele CA2582341573.